The following is an entry in ClinVar:

ClinVar aggregate classification (germline): Likely benign (0 of 4 stars; one submission).

Conditions:
KDM3A-related disorder. Also called: KDM3A-related condition.

Allele frequency attached by ClinVar (database versions not stated): TOPMed below 0.00001; gnomAD exomes 0.00003; gnomAD 0.00004; ExAC 0.00007; 1000 Genomes Project 30x 0.00016; 1000 Genomes Project 0.00020.
gnomAD v4.1: 50 of 1,613,940 alleles (0.0031%); highest among the groups gnomAD compares: South Asian, 0.054%; no homozygotes.

Submission:

PreventionGenetics, part of Exact Sciences
Classification: Likely benign for KDM3A-related condition. Last evaluated: 2019-02-22. Review status: no assertion criteria provided. Collection method: clinical testing. Allele origin: germline.
Comment: This variant is classified as likely benign based on ACMG/AMP sequence variant interpretation guidelines (Richards et al. 2015 PMID: 25741868, with internal and published modifications).

NM_018433.6(KDM3A):c.1239T>G (p.Leu413=)

Gene: KDM3A (lysine demethylase 3A; plus strand). Cytogenetic location: 2p11.2.
Variant type: single nucleotide variant.
Coding change: c.1239T>G on transcript NM_018433.6 (MANE Select); coding-DNA position 1239, T replaced by G.
Protein change: p.Leu413=; no amino-acid change (leucine 413 retained).
Molecular consequence: synonymous variant.
Genome position (GRCh38, 1-based): chr2:86,466,603, T>G. VCF-style: chr2-86466603-T-G. GRCh37 (hg19) VCF-style: chr2-86693726-T-G.
Other names: c.1239T>G, p.Leu413= (NM_001146688.2).
Identifiers: ClinVar variation 3046015 (VCV003046015.2), dbSNP rs556530310, ClinGen allele CA1749333.